The following is an entry in ClinVar:

NM_003722.5(TP63):c.475C>G (p.Leu159Val)

Gene: TP63 (tumor protein p63; plus strand). Cytogenetic location: 3q28.
Variant type: single nucleotide variant.
Coding change: c.475C>G on transcript NM_003722.5 (MANE Select); coding-DNA position 475, C replaced by G.
Protein change: p.Leu159Val; replaces leucine 159 with valine.
Molecular consequence: missense variant. On other transcripts: intron variant (2).
Genome position (GRCh38, 1-based): chr3:189,808,422, C>G. VCF-style: chr3-189808422-C-G. GRCh37 (hg19) VCF-style: chr3-189526211-C-G.
Other names: c.475C>G, p.Leu159Val (NM_001114978.2, NM_001114979.2, NM_001329144.2 and 1 more transcripts); c.193C>G, p.Leu65Val (NM_001114980.2, NM_001114981.2, NM_001114982.2 and 2 more transcripts); c.469C>G, p.Leu157Val (NM_001329964.2); c.42+18580C>G (NM_001329146.2, NM_001329150.2); short protein forms L159V, L157V, L65V.
Identifiers: ClinVar variation 1984245 (VCV001984245.3), dbSNP rs752603187, ClinGen allele CA2752152.

ClinVar aggregate classification (germline): Uncertain significance (1 of 4 stars; one submission).

Conditions:
TP63-Related Spectrum Disorders.

Submission:

Labcorp Genetics (formerly Invitae), Labcorp
Classification: Uncertain significance. Last evaluated: 2024-11-05. Review status: criteria provided, single submitter. Criteria: Invitae Variant Classification Sherloc (09022015). Collection method: clinical testing. Allele origin: germline.
Comment: This sequence change replaces leucine, which is neutral and non-polar, with valine, which is neutral and non-polar, at codon 159 of the TP63 protein (p.Leu159Val). This variant is present in population databases (rs752603187, gnomAD 0.002%). This variant has not been reported in the literature in individuals affected with TP63-related conditions. ClinVar contains an entry for this variant (Variation ID: 1984245). Invitae Evidence Modeling incorporating data from in vitro experimental studies (internal data) indicates that this missense variant is not expected to disrupt TP63 function with a negative predictive value of 95%. In summary, the available evidence is currently insufficient to determine the role of this variant in disease. Therefore, it has been classified as a Variant of Uncertain Significance.